The following is an entry in ClinVar:

NM_004304.5(ALK):c.1843T>A (p.Trp615Arg)

Gene: ALK (ALK receptor tyrosine kinase; minus strand). Cytogenetic location: 2p23.2.
Variant type: single nucleotide variant.
Coding change: c.1843T>A on transcript NM_004304.5 (MANE Select); coding-DNA position 1843, T replaced by A.
Protein change: p.Trp615Arg; replaces tryptophan 615 with arginine.
Molecular consequence: missense variant.
Genome position (GRCh38, 1-based): chr2:29,275,471, A>T on the plus strand (T>A on the coding strand, the complement: ALK is on the minus strand). VCF-style: chr2-29275471-A-T. GRCh37 (hg19) VCF-style: chr2-29498337-A-T.
Other names: c.1843T>A (NM_004304.4); short protein forms W615R.
Identifiers: ClinVar variation 1370741 (VCV001370741.8), dbSNP rs774517608, ClinGen allele CA346480002.
Genomic context (GRCh38, chr2:29,275,471, plus strand): 5'-AGCAGTCCAGGCTGATGGAGATATTGTCAAAAGCCACGATGGCTCTGGATCCTTGTCCCC[A>T]CCATGCGACCATCTGCAGCCAGAACCTGTACACATCAAGAGGAATGTGTGTGAGGAGCAA-3'
Protein context (NP_004295.2, residues 605-625): DRFWLQMVAW[Trp615Arg]GQGSRAIVAF

ClinVar aggregate classification (germline): Uncertain significance. Review status: criteria provided, multiple submitters, no conflicts (2 of 4 stars). 3 submissions from 3 submitters: Uncertain significance (3). Last evaluated 2025-12-20.

Conditions:
Hereditary cancer-predisposing syndrome. Also called: Hereditary neoplastic syndrome; Tumor predisposition; Neoplastic Syndromes, Hereditary; Hereditary Cancer Syndrome. Identifiers: Orphanet 140162, MedGen C0027672, MeSH D009386, MONDO:0015356.
Neuroblastoma, susceptibility to, 3. Also called: ALK-Related Neuroblastic Tumor Susceptibility. Identifiers: Orphanet 635, MedGen C2751681, MONDO:0013083, OMIM 613014.

Submissions (3):

Ambry Genetics
Classification: Uncertain significance for Hereditary cancer-predisposing syndrome. Last evaluated: 2025-12-20. Review status: criteria provided, single submitter. Criteria: Ambry Variant Classification Scheme 2023. Collection method: clinical testing. Allele origin: germline.
Comment: The p.W615R variant (also known as c.1843T>A), located in coding exon 10 of the ALK gene, results from a T to A substitution at nucleotide position 1843. The tryptophan at codon 615 is replaced by arginine, an amino acid with dissimilar properties. This amino acid position is conserved. In addition, the in silico prediction for this alteration is inconclusive. Based on the available evidence, the clinical significance of this variant remains unclear.

GeneDx
Classification: Uncertain significance. Last evaluated: 2023-05-25. Review status: criteria provided, single submitter. Criteria: GeneDx Variant Classification Process June 2021. Collection method: clinical testing. Allele origin: germline. Affected: yes.
Comment: Not observed at significant frequency in large population cohorts (gnomAD); In silico analysis supports that this missense variant has a deleterious effect on protein structure/function; Has not been previously published as pathogenic or benign to our knowledge

Labcorp Genetics (formerly Invitae), Labcorp
Classification: Uncertain significance for Neuroblastoma, susceptibility to, 3. Last evaluated: 2021-08-03. Review status: criteria provided, single submitter. Criteria: Invitae Variant Classification Sherloc (09022015). Collection method: clinical testing. Allele origin: germline.
Comment: In summary, the available evidence is currently insufficient to determine the role of this variant in disease. Therefore, it has been classified as a Variant of Uncertain Significance. Algorithms developed to predict the effect of missense changes on protein structure and function (SIFT, PolyPhen-2, Align-GVGD) all suggest that this variant is likely to be disruptive. This variant has not been reported in the literature in individuals affected with ALK-related conditions. This variant is not present in population databases (ExAC no frequency). This sequence change replaces tryptophan with arginine at codon 615 of the ALK protein (p.Trp615Arg). The tryptophan residue is highly conserved and there is a moderate physicochemical difference between tryptophan and arginine.